The following is an entry in ClinVar:

NM_001081.4(CUBN):c.2779G>A (p.Ala927Thr)

Gene: CUBN (cubilin; minus strand). Cytogenetic location: 10p13.
Variant type: single nucleotide variant.
Coding change: c.2779G>A on transcript NM_001081.4 (MANE Select); coding-DNA position 2779, G replaced by A.
Protein change: p.Ala927Thr; replaces alanine 927 with threonine.
Molecular consequence: missense variant.
Genome position (GRCh38, 1-based): chr10:17,068,617, C>T on the plus strand (G>A on the coding strand, the complement: CUBN is on the minus strand). VCF-style: chr10-17068617-C-T. GRCh37 (hg19) VCF-style: chr10-17110616-C-T.
Other names: short protein forms A927T.
Identifiers: ClinVar variation 1903353 (VCV001903353.5), dbSNP rs1400804891, ClinGen allele CA376157012.

ClinVar aggregate classification (germline): Conflicting classifications of pathogenicity. Review status: criteria provided, conflicting classifications (1 of 4 stars). 3 submissions from 3 submitters: Uncertain significance (1); Likely benign (2). Last evaluated 2024-11-04.

Conditions:
Inborn genetic diseases. Identifiers: MedGen C0950123, MeSH D030342.
Imerslund-Grasbeck syndrome. Also called: Imerslund-Gräsbeck syndrome; Megaloblastic anemia due to inborn errors of metabolism; ENTEROCYTE COBALAMIN MALABSORPTION; ENTEROCYTE INTRINSIC FACTOR RECEPTOR, DEFECT OF; PERNICIOUS ANEMIA, JUVENILE, DUE TO SELECTIVE INTESTINAL MALABSORPTION OF VITAMIN B12, WITH PROTEINURIA. Identifiers: Orphanet 35858, MedGen C4551825, MONDO:0009853.

Allele frequency attached by ClinVar (database versions not stated): gnomAD 0.00001; TOPMed 0.00001.
gnomAD v4.1: 8 of 1,612,396 alleles (0.0005%); highest among the groups gnomAD compares: South Asian, 0.0022%; no homozygotes.

Submissions (3):

Blueprint Genetics
Classification: Likely benign. Last evaluated: 2024-11-04. Review status: criteria provided, single submitter. Criteria: ACMG Guidelines, 2015. Collection method: clinical testing. Allele origin: germline.

Ambry Genetics
Classification: Likely benign for Inborn genetic diseases. Last evaluated: 2024-05-09. Review status: criteria provided, single submitter. Criteria: Ambry Variant Classification Scheme 2023. Collection method: clinical testing. Allele origin: germline.

Labcorp Genetics (formerly Invitae), Labcorp
Classification: Uncertain significance for Imerslund-Grasbeck syndrome. Last evaluated: 2022-02-18. Review status: criteria provided, single submitter. Criteria: Invitae Variant Classification Sherloc (09022015). Collection method: clinical testing. Allele origin: germline.
Comment: In summary, the available evidence is currently insufficient to determine the role of this variant in disease. Therefore, it has been classified as a Variant of Uncertain Significance. Algorithms developed to predict the effect of missense changes on protein structure and function output the following: SIFT: "Tolerated"; PolyPhen-2: "Benign"; Align-GVGD: "Class C0". The threonine amino acid residue is found in multiple mammalian species, which suggests that this missense change does not adversely affect protein function. This variant has not been reported in the literature in individuals affected with CUBN-related conditions. This variant is present in population databases (no rsID available, gnomAD 0.003%). This sequence change replaces alanine, which is neutral and non-polar, with threonine, which is neutral and polar, at codon 927 of the CUBN protein (p.Ala927Thr).